The following is an entry in ClinVar:

ClinVar aggregate classification (germline): Uncertain significance (1 of 4 stars; one submission).

Conditions:
Inborn genetic diseases. Identifiers: MedGen C0950123, MeSH D030342.

Submission:

Ambry Genetics
Classification: Uncertain significance for Inborn genetic diseases. Last evaluated: 2024-11-26. Review status: criteria provided, single submitter. Criteria: Ambry Variant Classification Scheme 2023. Collection method: clinical testing. Allele origin: germline.
Comment: The p.M1126L variant (also known as c.3376A>T), located in coding exon 15 of the MECOM gene, results from an A to T substitution at nucleotide position 3376. The methionine at codon 1126 is replaced by leucine, an amino acid with highly similar properties. This amino acid position is conserved. In addition, this alteration is predicted to be tolerated by in silico analysis. Based on the available evidence, the clinical significance of this variant remains unclear.

NM_004991.4(MECOM):c.3376A>T (p.Met1126Leu)

Gene: MECOM (MDS1 and EVI1 complex locus; minus strand). Cytogenetic location: 3q26.2.
Variant type: single nucleotide variant.
Coding change: c.3376A>T on transcript NM_004991.4 (MANE Select); coding-DNA position 3376, A replaced by T.
Protein change: p.Met1126Leu; replaces methionine 1126 with leucine.
Molecular consequence: missense variant.
Genome position (GRCh38, 1-based): chr3:169,090,025, T>A on the plus strand (A>T on the coding strand, the complement: MECOM is on the minus strand). VCF-style: chr3-169090025-T-A. GRCh37 (hg19) VCF-style: chr3-168807813-T-A.
Other names: c.3007A>T, p.Met1003Leu (NM_001105077.4); c.2812A>T, p.Met938Leu (NM_001105078.4, NM_001205194.2, NM_001366469.2 and 1 more transcripts); c.2788A>T, p.Met930Leu (NM_001163999.2, NM_001366470.2); c.2785A>T, p.Met929Leu (NM_001164000.2, NM_001366471.2, NM_001366472.2); c.3349A>T, p.Met1117Leu (NM_001366466.2); c.2815A>T, p.Met939Leu (NM_001366467.2, NM_001366468.2); c.2377A>T, p.Met793Leu (NM_001366473.2); c.1813A>T, p.Met605Leu (NM_001366474.2); short protein forms M1003L, M605L, M793L, M929L, M930L, M1126L, M938L, M939L.
Identifiers: ClinVar variation 3394320 (VCV003394320.1).